The following is an entry in ClinVar:

ClinVar aggregate classification (germline): Uncertain significance. Review status: criteria provided, multiple submitters, no conflicts (2 of 4 stars). 2 submissions from 2 submitters: Uncertain significance (2). Last evaluated 2025-07-03.

Conditions:
Inborn genetic diseases. Identifiers: MedGen C0950123, MeSH D030342.

gnomAD v4.1: 31 of 1,612,748 alleles (0.0019%); highest among the groups gnomAD compares: South Asian, 0.032%; 1 homozygote.

Submissions (2):

Ambry Genetics
Classification: Uncertain significance for Inborn genetic diseases. Last evaluated: 2025-07-03. Review status: criteria provided, single submitter. Criteria: Ambry Variant Classification Scheme 2023. Collection method: clinical testing. Allele origin: germline.

Labcorp Genetics (formerly Invitae), Labcorp
Classification: Uncertain significance. Last evaluated: 2023-08-04. Review status: criteria provided, single submitter. Criteria: Invitae Variant Classification Sherloc (09022015). Collection method: clinical testing. Allele origin: germline.
Comment: An algorithm developed to predict the effect of missense changes on protein structure and function (PolyPhen-2) suggests that this variant is likely to be disruptive. In summary, the available evidence is currently insufficient to determine the role of this variant in disease. Therefore, it has been classified as a Variant of Uncertain Significance. ClinVar contains an entry for this variant (Variation ID: 1430374). This variant has not been reported in the literature in individuals affected with CDT1-related conditions. This variant is present in population databases (rs548414653, gnomAD 0.04%), including at least one homozygous and/or hemizygous individual. This sequence change replaces glutamic acid, which is acidic and polar, with glutamine, which is neutral and polar, at codon 504 of the CDT1 protein (p.Glu504Gln).

NM_030928.4(CDT1):c.1510G>C (p.Glu504Gln)

Gene: CDT1 (chromatin licensing and DNA replication factor 1; plus strand). Cytogenetic location: 16q24.3.
Variant type: single nucleotide variant.
Coding change: c.1510G>C on transcript NM_030928.4 (MANE Select); coding-DNA position 1510, G replaced by C.
Protein change: p.Glu504Gln; replaces glutamic acid 504 with glutamine.
Molecular consequence: missense variant.
Genome position (GRCh38, 1-based): chr16:88,808,147, G>C. VCF-style: chr16-88808147-G-C. GRCh37 (hg19) VCF-style: chr16-88874555-G-C.
Other names: c.1510G>C (NM_030928.3); short protein forms E504Q.
Identifiers: ClinVar variation 1430374 (VCV001430374.6), dbSNP rs548414653, ClinGen allele CA8234219.
Genomic context (GRCh38, chr16:88,808,147, plus strand): 5'-GCCTCAGTGTCCTCCTCTCCTCCCCCAGGGGAAATGGAGAAGCACCTGCTGCTCCTCTCC[G>C]AGCTGCTGCCGGACTGGCTCAGCCTCCACCGCATCCGCACCGACACCTACGTCAAGCTGG-3'
Protein context (NP_112190.2, residues 494-514): EMEKHLLLLS[Glu504Gln]LLPDWLSLHR